The following is an entry in ClinVar:

NM_001365536.1(SCN9A):c.4226C>T (p.Thr1409Met)

Genes: SCN1A-AS1 (SCN1A and SCN9A antisense RNA 1; plus strand), SCN9A (sodium voltage-gated channel alpha subunit 9; minus strand). Cytogenetic location: 2q24.3.
Variant type: single nucleotide variant.
Coding change: c.4226C>T on transcript NM_001365536.1 (MANE Select); coding-DNA position 4226, C replaced by T.
Protein change: p.Thr1409Met; replaces threonine 1409 with methionine.
Molecular consequence: missense variant.
Genome position (GRCh38, 1-based): chr2:166,227,704, G>A on the plus strand (C>T on the coding strand, the complement: SCN9A is on the minus strand). VCF-style: chr2-166227704-G-A. GRCh37 (hg19) VCF-style: chr2-167084214-G-A.
Other names: c.4193C>T, p.Thr1398Met (NM_002977.4); short protein forms T1398M, T1409M.
Identifiers: ClinVar variation 538477 (VCV000538477.12), dbSNP rs200763228, ClinGen allele CA1943920.

ClinVar aggregate classification (germline): Conflicting classifications of pathogenicity. Review status: criteria provided, conflicting classifications (1 of 4 stars). 2 submissions from 2 submitters: Uncertain significance (1); Likely benign (1). Last evaluated 2026-01-20.

Conditions:
Neuropathy, hereditary sensory and autonomic, type 2A (HSAN2A). Also called: ACROOSTEOLYSIS, GIACCAI TYPE; ACROOSTEOLYSIS, NEUROGENIC; MORVAN DISEASE; NEUROPATHY, CONGENITAL SENSORY; NEUROPATHY, HEREDITARY SENSORY RADICULAR, AUTOSOMAL RECESSIVE; NEUROPATHY, HEREDITARY SENSORY, TYPE IIA. Identifiers: Orphanet 970, MedGen C2752089, MONDO:0024309, OMIM 201300.
Generalized epilepsy with febrile seizures plus, type 7 (GEFSP7). Also called: GEFS+, TYPE 7. Identifiers: Orphanet 36387, MedGen C2751778, MONDO:0013470, OMIM 613863.
Inborn genetic diseases. Identifiers: MedGen C0950123, MeSH D030342.

Allele frequency attached by ClinVar (database versions not stated): gnomAD exomes 0.00002 and 0.00004; ESP Exome Variant Server 0.00009; gnomAD 0.00011; TOPMed 0.00011; 1000 Genomes Project 30x 0.00016; ExAC 0.00017; 1000 Genomes Project 0.00020.
gnomAD v4.1: 40 of 1,518,276 alleles (0.0026%); highest among the groups gnomAD compares: African/African-American, 0.026%; no homozygotes.

Submissions (2):

Labcorp Genetics (formerly Invitae), Labcorp
Classification: Likely benign for Neuropathy, hereditary sensory and autonomic, type 2A; Generalized epilepsy with febrile seizures plus, type 7. Last evaluated: 2026-01-20. Review status: criteria provided, single submitter. Criteria: Invitae Variant Classification Sherloc (09022015). Collection method: clinical testing. Allele origin: germline.

Ambry Genetics
Classification: Uncertain significance for Inborn genetic diseases. Last evaluated: 2020-03-04. Review status: criteria provided, single submitter. Criteria: Ambry Variant Classification Scheme 2023. Collection method: clinical testing. Allele origin: germline.
Comment: The p.T1398M variant (also known as c.4193C>T), located in coding exon 22 of the SCN9A gene, results from a C to T substitution at nucleotide position 4193. The threonine at codon 1398 is replaced by methionine, an amino acid with similar properties. This amino acid position is poorly conserved in available vertebrate species. In addition, this alteration is predicted to be tolerated by in silico analysis. Since supporting evidence is limited at this time, the clinical significance of this alteration remains unclear.